The following is an entry in ClinVar:

ClinVar aggregate classification (germline): Benign (1 of 4 stars; one submission).

Allele frequency attached by ClinVar (database versions not stated): gnomAD 0.99996; TOPMed 0.99999; 1000 Genomes Project 1.00000; 1000 Genomes Project 30x 1.00000.
gnomAD v4.1: 152,272 of 152,278 alleles (100%); highest among the groups gnomAD compares: Non-Finnish European, 100%; 76,133 homozygotes.

Submission:

GeneDx
Classification: Benign. Last evaluated: 2018-06-14. Review status: criteria provided, single submitter. Criteria: GeneDx Variant Classification (06012015). Collection method: clinical testing. Allele origin: germline. Affected: yes.
Comment: This variant is considered likely benign or benign based on one or more of the following criteria: it is a conservative change, it occurs at a poorly conserved position in the protein, it is predicted to be benign by multiple in silico algorithms, and/or has population frequency not consistent with disease.

NM_000260.4(MYO7A):c.1797+283T>C

Gene: MYO7A (myosin VIIA; plus strand). Cytogenetic location: 11q13.5.
Variant type: single nucleotide variant.
Coding change: c.1797+283T>C on transcript NM_000260.4 (MANE Select); 283 bases into the intron after coding-DNA position 1797, T replaced by C.
Molecular consequence: intron variant.
Genome position (GRCh38, 1-based): chr11:77,166,445, T>C. VCF-style: chr11-77166445-T-C. GRCh37 (hg19) VCF-style: chr11-76877491-T-C.
Other names: c.1764+283T>C (NM_001369365.1); c.1797+283T>C (NM_001127180.2).
Identifiers: ClinVar variation 680662 (VCV000680662.1), dbSNP rs10736813, ClinGen allele CA224833118.